The following is an entry in ClinVar:

NM_001042492.3(NF1):c.3900C>T (p.Leu1300=)

Gene: NF1 (neurofibromin 1; plus strand). Cytogenetic location: 17q11.2.
Variant type: single nucleotide variant.
Coding change: c.3900C>T on transcript NM_001042492.3 (MANE Select); coding-DNA position 3900, C replaced by T.
Protein change: p.Leu1300=; no amino-acid change (leucine 1300 retained).
Molecular consequence: synonymous variant.
Genome position (GRCh38, 1-based): chr17:31,235,947, C>T. VCF-style: chr17-31235947-C-T. GRCh37 (hg19) VCF-style: chr17-29562965-C-T.
Other names: c.3900C>T, p.Leu1300= (NM_000267.4).
Identifiers: ClinVar variation 755943 (VCV000755943.9), dbSNP rs1597722945, ClinGen allele CA499232768.
Genomic context (GRCh38, chr17:31,235,947, plus strand): 5'-ATAATAAACTCCTATTCGTGCATTTCTGTAGGTATATGGTGCTACCTATCTACAAAAACT[C>T]CTGGATCCTTTATTACGAATTGTGATCACATCCTCTGATTGGCAACATGTTAGCTTTGAA-3'
Protein context (NP_001035957.1, residues 1290-1310): KVYGATYLQK[Leu1300=]LDPLLRIVIT

ClinVar aggregate classification (germline): Benign/Likely benign. Review status: criteria provided, multiple submitters, no conflicts (2 of 4 stars). 3 submissions from 3 submitters: Benign (1); Likely benign (2). Last evaluated 2026-08-24.

Conditions:
Cardiovascular phenotype. Identifiers: MedGen CN230736.
Hereditary cancer-predisposing syndrome. Also called: Tumor predisposition; Hereditary Cancer Syndrome; Neoplastic Syndromes, Hereditary; Hereditary neoplastic syndrome. Identifiers: Orphanet 140162, MedGen C0027672, MeSH D009386, MONDO:0015356.
Neurofibromatosis, type 1 (NF1). Also called: NEUROFIBROMATOSIS, TYPE I, SOMATIC; VON RECKLINGHAUSEN DISEASE; Neurofibromatosis, type I; Peripheral type neurofibromatosis. Identifiers: Orphanet 636, MedGen C0027831, MONDO:0018975, OMIM 162200. Disease mechanism: loss of function.

Allele frequency attached by ClinVar (database versions not stated): TOPMed below 0.00001; gnomAD 0.00001.
gnomAD v4.1: 1 of 1,613,910 alleles (0.000062%); highest among the groups gnomAD compares: Non-Finnish European, 0.000085%; no homozygotes.

Submissions (3):

Ambry Genetics
Classification: Likely benign for Cardiovascular phenotype; Hereditary cancer-predisposing syndrome. Last evaluated: 2026-08-24. Review status: criteria provided, single submitter. Criteria: Ambry Variant Classification Scheme 2023. Collection method: clinical testing. Allele origin: germline.

Myriad Genetics, Inc.
Classification: Benign for Neurofibromatosis, type 1. Last evaluated: 2026-05-19. Review status: criteria provided, single submitter. Criteria: Myriad Autosomal Dominant, Autosomal Recessive and X-Linked Classification Criteria (2023). Collection method: clinical testing. Allele origin: unknown.
Comment: This variant is considered benign. This variant is a silent/synonymous amino acid change and it is not expected to impact splicing.

Labcorp Genetics (formerly Invitae), Labcorp
Classification: Likely benign for Neurofibromatosis, type 1. Last evaluated: 2022-07-12. Review status: criteria provided, single submitter. Criteria: Invitae Variant Classification Sherloc (09022015). Collection method: clinical testing. Allele origin: germline.